The following is an entry in ClinVar:

ClinVar aggregate classification (germline): Uncertain significance (1 of 4 stars; one submission).

Conditions:
Inclusion body myopathy with early-onset Paget disease with or without frontotemporal dementia 2 (IBMPFD2). Also called: MULTISYSTEM PROTEINOPATHY 2. Identifiers: MedGen C3809468, MONDO:0014178, OMIM 615422.

Allele frequency attached by ClinVar (database versions not stated): gnomAD exomes below 0.00001; TOPMed 0.00001; gnomAD 0.00002.
gnomAD v4.1: 6 of 1,613,678 alleles (0.00037%); highest among the groups gnomAD compares: Non-Finnish European, 0.00051%; no homozygotes.

Submission:

Labcorp Genetics (formerly Invitae), Labcorp
Classification: Uncertain significance for Inclusion body myopathy with early-onset Paget disease with or without frontotemporal dementia 2. Last evaluated: 2023-11-07. Review status: criteria provided, single submitter. Criteria: Invitae Variant Classification Sherloc (09022015). Collection method: clinical testing. Allele origin: germline.
Comment: This sequence change replaces arginine, which is basic and polar, with lysine, which is basic and polar, at codon 325 of the HNRNPA2B1 protein (p.Arg325Lys). The frequency data for this variant in the population databases is considered unreliable, as metrics indicate poor data quality at this position in the gnomAD database. This variant has not been reported in the literature in individuals affected with HNRNPA2B1-related conditions. An algorithm developed to predict the effect of missense changes on protein structure and function (PolyPhen-2) suggests that this variant is likely to be tolerated. In summary, the available evidence is currently insufficient to determine the role of this variant in disease. Therefore, it has been classified as a Variant of Uncertain Significance.

NM_002137.4(HNRNPA2B1):c.938G>A (p.Arg313Lys)

Gene: HNRNPA2B1 (heterogeneous nuclear ribonucleoprotein A2/B1; minus strand). Cytogenetic location: 7p15.2.
Variant type: single nucleotide variant.
Coding change: c.938G>A on transcript NM_002137.4 (MANE Select); coding-DNA position 938, G replaced by A.
Protein change: p.Arg313Lys; replaces arginine 313 with lysine.
Molecular consequence: missense variant.
Genome position (GRCh38, 1-based): chr7:26,193,277, C>T on the plus strand (G>A on the coding strand, the complement: HNRNPA2B1 is on the minus strand). VCF-style: chr7-26193277-C-T. GRCh37 (hg19) VCF-style: chr7-26232897-C-T.
Other names: c.974G>A, p.Arg325Lys (NM_031243.4); short protein forms R313K, R325K.
Identifiers: ClinVar variation 2822662 (VCV002822662.3), dbSNP rs1321052921, ClinGen allele CA367071735.
Genomic context (GRCh38, chr7:26,193,277, plus strand): 5'-AAAAATCTGAATAACCTCAATTTTTATAAATTACCTCCACCATATGGTCCCCCCATGTTC[C>T]TGCTACCACCAAAGTTTCCACTCTTCATTGGACCGTAGTTAGAAGGTTGCTGGTTATAAT-3'
Protein context (NP_002128.1, residues 303-323): PMKSGNFGGS[Arg313Lys]NMGGPYGGGN